The following is an entry in ClinVar:

ClinVar aggregate classification (germline): Conflicting classifications of pathogenicity. Review status: criteria provided, conflicting classifications (1 of 4 stars). 4 submissions from 4 submitters: Uncertain significance (1); Likely benign (2). 1 of the submissions does not count toward it. Last evaluated 2025-08-09.

Conditions:
Joubert syndrome 25 (JBTS25). Identifiers: Orphanet 475, MedGen C4084842, MONDO:0014770, OMIM 616781.
CEP104-related disorder. Also called: CEP104-related condition.

Allele frequency attached by ClinVar (database versions not stated): gnomAD 0.00004; TOPMed 0.00005; gnomAD exomes 0.00010 and 0.00026; 1000 Genomes Project 0.00020; 1000 Genomes Project 30x 0.00031.
gnomAD v4.1: 57 of 1,550,036 alleles (0.0037%); highest among the groups gnomAD compares: Admixed American, 0.11%; no homozygotes.

Submissions (4):

Labcorp Genetics (formerly Invitae), Labcorp
Classification: Likely benign for Joubert syndrome 25. Last evaluated: 2025-08-09. Review status: criteria provided, single submitter. Criteria: Invitae Variant Classification Sherloc (09022015). Collection method: clinical testing. Allele origin: germline.

Blueprint Genetics
Classification: Likely benign. Last evaluated: 2021-06-29. Review status: criteria provided, single submitter. Criteria: ACMG Guidelines, 2015. Collection method: clinical testing. Allele origin: germline.

Clinical Genomics Laboratory, Stanford Medicine
Classification: Uncertain significance for Joubert syndrome 25. Last evaluated: 2021-05-28. Review status: criteria provided, single submitter. Criteria: ACMG Guidelines, 2015. Collection method: clinical testing. Allele origin: germline. Inheritance: Autosomal recessive inheritance. Affected: yes. Observed: 1 compound heterozygote.
Comment: The p.Gly913Arg variant in the CEP104 gene has not been previously reported in association with disease. The p.Gly913Arg variant has been identified in 62/281,042 chromosomes by the Genome Aggregation Database. Although this variant has been seen in the general population, it has not been observed at a high enough frequency to rule out pathogenicity. Computational tools predict that this variant does not impact protein function; however, the accuracy of in silico algorithms is limited. These data were assessed using the ACMG/AMP variant interpretation guidelines. In summary, the significance of the p.Gly913Arg variant is uncertain. Additional information is needed to resolve the significance of this variant. [ACMG evidence codes used: BP4]

PreventionGenetics, part of Exact Sciences
Classification: Likely benign for CEP104-related condition. Last evaluated: 2019-07-01. Review status: no assertion criteria provided. Collection method: clinical testing. Allele origin: germline. Not counted in ClinVar's aggregate classification.
Comment: This variant is classified as likely benign based on ACMG/AMP sequence variant interpretation guidelines (Richards et al. 2015 PMID: 25741868, with internal and published modifications).

NM_014704.4(CEP104):c.2662+10A>T

Gene: CEP104 (centrosomal protein 104; minus strand). Cytogenetic location: 1p36.32.
Variant type: single nucleotide variant.
Coding change: c.2662+10A>T on transcript NM_014704.4 (MANE Select); 10 bases into the intron after coding-DNA position 2662, A replaced by T.
Molecular consequence: intron variant.
Genome position (GRCh38, 1-based): chr1:3,816,270, T>A on the plus strand (A>T on the coding strand, the complement: CEP104 is on the minus strand). VCF-style: chr1-3816270-T-A. GRCh37 (hg19) VCF-style: chr1-3732834-T-A.
Other names: c.2662+10A>T (NM_014704.3).
Identifiers: ClinVar variation 1623071 (VCV001623071.12), dbSNP rs552644535, ClinGen allele CA551213.